The following is an entry in ClinVar:

NM_025114.4(CEP290):c.3436A>G (p.Met1146Val)

Gene: CEP290 (centrosomal protein 290; minus strand). Cytogenetic location: 12q21.32.
Variant type: single nucleotide variant.
Coding change: c.3436A>G on transcript NM_025114.4 (MANE Select); coding-DNA position 3436, A replaced by G.
Protein change: p.Met1146Val; replaces methionine 1146 with valine.
Molecular consequence: missense variant.
Genome position (GRCh38, 1-based): chr12:88,092,706, T>C on the plus strand (A>G on the coding strand, the complement: CEP290 is on the minus strand). VCF-style: chr12-88092706-T-C. GRCh37 (hg19) VCF-style: chr12-88486483-T-C.
Other names: short protein forms M1146V.
Identifiers: ClinVar variation 5002429 (VCV005002429.1).

ClinVar aggregate classification (germline): Uncertain significance (1 of 4 stars; one submission).

Conditions:
CEP290-related disorder. Also called: CEP290-related condition; CEP290-related disorders. Identifiers: MedGen CN239314.

Submission:

PreventionGenetics, part of Exact Sciences
Classification: Uncertain significance for CEP290-related condition. Last evaluated: 2025-01-31. Review status: criteria provided, single submitter. Criteria: ACMG Guidelines, 2015. Collection method: clinical testing. Allele origin: germline.
Comment: The CEP290 c.3436A>G variant is predicted to result in the amino acid substitution p.Met1146Val. To our knowledge, this variant has not been reported in the literature or in a large population database (gnomAD), indicating this variant is rare. At this time, the clinical significance of this variant is uncertain due to the absence of conclusive functional and genetic evidence.